The following is an entry in ClinVar:

ClinVar aggregate classification (germline): Likely benign (1 of 4 stars; one submission).

gnomAD v4.1: 642 of 397,878 alleles (0.16%); highest among the groups gnomAD compares: African/African-American, 1.2%; 1 homozygote.

Submission:

CeGaT Center for Human Genetics Tuebingen
Classification: Likely benign. Last evaluated: 2026-04-01. Review status: criteria provided, single submitter. Criteria: CeGaT Center For Human Genetics Tuebingen Variant Classification Criteria Version 2. Collection method: clinical testing. Allele origin: germline. Affected: yes. Observed: 4 variant alleles.
Comment: KCNQ1OT1: BS1

NM_000218.3(KCNQ1):c.1514+20431G>C

Genes: KCNQ1 (potassium voltage-gated channel subfamily Q member 1; plus strand), KCNQ1OT1 (KCNQ1 opposite strand/antisense transcript 1; minus strand). Cytogenetic location: 11p15.5.
Variant type: single nucleotide variant.
Coding change: c.1514+20431G>C on transcript NM_000218.3 (MANE Select); 20431 bases into the intron after coding-DNA position 1514, G replaced by C.
Molecular consequence: intron variant. On other transcripts: non-coding transcript variant (1).
Genome position (GRCh38, 1-based): chr11:2,682,512, G>C. VCF-style: chr11-2682512-G-C. GRCh37 (hg19) VCF-style: chr11-2703742-G-C.
Other names: c.1244+20431G>C (NM_001406837.1); c.1418+20431G>C (NM_001406836.1); c.974+20431G>C (NM_001406838.1); c.1133+20431G>C (NM_181798.2).
Identifiers: ClinVar variation 3390343 (VCV003390343.14).
Genomic context (GRCh38, chr11:2,682,512, plus strand): 5'-ACGGACCCTCAGTGAATGTTTGACGAGTGAGTGAGTGAGTGAGTGAGTGAGTGAGTACTT[G>C]TGCCCAGGTCAAACCAGGTGCTAGGACCCTGGCAGGGGTTCCATAAGGCTATGCTGGGGT-3'